The following is an entry in ClinVar:

NM_000188.3(HK1):c.1148C>T (p.Ala383Val)

Gene: HK1 (hexokinase 1; plus strand). Cytogenetic location: 10q22.1.
Variant type: single nucleotide variant.
Coding change: c.1148C>T on transcript NM_000188.3 (MANE Select); coding-DNA position 1148, C replaced by T.
Protein change: p.Ala383Val; replaces alanine 383 with valine.
Molecular consequence: missense variant.
Genome position (GRCh38, 1-based): chr10:69,379,978, C>T. VCF-style: chr10-69379978-C-T. GRCh37 (hg19) VCF-style: chr10-71139734-C-T.
Other names: c.1160C>T, p.Ala387Val (NM_001322364.2, NM_001358263.1, NM_033497.3 and 1 more transcripts); c.1253C>T, p.Ala418Val (NM_001322365.2); c.1064C>T, p.Ala355Val (NM_001322366.1); c.1052C>T, p.Ala351Val (NM_001322367.1); c.1145C>T, p.Ala382Val (NM_033496.3); c.1112C>T, p.Ala371Val (NM_033500.2); short protein forms A351V, A355V, A371V, A382V, A383V, A387V, A418V.
Identifiers: ClinVar variation 1059317 (VCV001059317.10), dbSNP rs757563385, ClinGen allele CA5532517.
Genomic context (GRCh38, chr10:69,379,978, plus strand): 5'-CGTCCGATGATGACTGTGTCTCAGTCCAGCACGTTTGCACCATTGTCTCATTTCGCTCAG[C>T]CAACTTGGTGGCTGCCACACTGGGCGCCATCTTGAACCGCCTGCGTGATAACAAGGGCAC-3'
Protein context (NP_000179.2, residues 373-393): HVCTIVSFRS[Ala383Val]NLVAATLGAI

ClinVar aggregate classification (germline): Uncertain significance. Review status: criteria provided, multiple submitters, no conflicts (2 of 4 stars). 2 submissions from 2 submitters: Uncertain significance (2). Last evaluated 2024-08-21.

Allele frequency attached by ClinVar (database versions not stated): TOPMed below 0.00001; gnomAD 0.00001; gnomAD exomes 0.00001 and 0.00004; ExAC 0.00003.
gnomAD v4.1: 23 of 1,614,068 alleles (0.0014%); highest among the groups gnomAD compares: South Asian, 0.022%; no homozygotes.

Submissions (2):

Labcorp Genetics (formerly Invitae), Labcorp
Classification: Uncertain significance. Last evaluated: 2024-08-21. Review status: criteria provided, single submitter. Criteria: Invitae Variant Classification Sherloc (09022015). Collection method: clinical testing. Allele origin: germline.
Comment: This sequence change replaces alanine, which is neutral and non-polar, with valine, which is neutral and non-polar, at codon 383 of the HK1 protein (p.Ala383Val). This variant is present in population databases (rs757563385, gnomAD 0.03%). This variant has not been reported in the literature in individuals affected with HK1-related conditions. ClinVar contains an entry for this variant (Variation ID: 1059317). Invitae Evidence Modeling of protein sequence and biophysical properties (such as structural, functional, and spatial information, amino acid conservation, physicochemical variation, residue mobility, and thermodynamic stability) indicates that this missense variant is not expected to disrupt HK1 protein function with a negative predictive value of 80%. In summary, the available evidence is currently insufficient to determine the role of this variant in disease. Therefore, it has been classified as a Variant of Uncertain Significance.

Blueprint Genetics
Classification: Uncertain significance. Last evaluated: 2024-04-25. Review status: criteria provided, single submitter. Criteria: ACMG Guidelines, 2015. Collection method: clinical testing. Allele origin: germline.